The following is an entry in ClinVar:

NM_000059.4(BRCA2):c.1149C>A (p.Ile383=)

Gene: BRCA2 (BRCA2 DNA repair associated; plus strand). Cytogenetic location: 13q13.1.
Variant type: single nucleotide variant.
Coding change: c.1149C>A on transcript NM_000059.4 (MANE Select); coding-DNA position 1149, C replaced by A.
Protein change: p.Ile383=; no amino-acid change (isoleucine 383 retained).
Molecular consequence: synonymous variant.
Genome position (GRCh38, 1-based): chr13:32,332,627, C>A. VCF-style: chr13-32332627-C-A. GRCh37 (hg19) VCF-style: chr13-32906764-C-A.
Other names: I383I.
Identifiers: ClinVar variation 51072 (VCV000051072.6), dbSNP rs80359780, ClinGen allele CA010959.
Genomic context (GRCh38, chr13:32,332,627, plus strand): 5'-TGATCCATTAGATTCAAATGTAGCAAATCAGAAGCCCTTTGAGAGTGGAAGTGACAAAAT[C>A]TCCAAGGAAGTTGTACCGTCTTTGGCCTGTGAATGGTCTCAACTAACCCTTTCAGGTCTA-3'
Protein context (NP_000050.3, residues 373-393): QKPFESGSDK[Ile383=]SKEVVPSLAC

ClinVar aggregate classification (germline): Likely benign. Review status: reviewed by expert panel (3 of 4 stars). 3 submissions from 3 submitters: Likely benign (1). 2 of the submissions do not count toward it. Last evaluated 2017-06-29.

Conditions:
Hereditary breast ovarian cancer syndrome. Also called: Hereditary breast and ovarian cancer syndrome; Hereditary breast and ovarian cancer; Hereditary breast and ovarian cancer syndrome (HBOC); Breast and ovarian cancer; Hereditary breast and/or ovarian cancer syndrome; BRCA1- and BRCA2-Associated Hereditary Breast and Ovarian Cancer. Identifiers: Orphanet 145, MedGen C0677776, MeSH D061325, MONDO:0003582. Disease mechanism: loss of function.
Breast-ovarian cancer, familial, susceptibility to, 2 (BROVCA2). Also called: BRCA2 Hereditary Breast and Ovarian Cancer. Identifiers: Orphanet 145, MedGen C2675520, MONDO:0012933, OMIM 612555. Disease mechanism: loss of function.

Submissions (3):

Evidence-based Network for the Interpretation of Germline Mutant Alleles (ENIGMA)
Classification: Likely benign for Breast-ovarian cancer, familial, susceptibility to, 2. Last evaluated: 2017-06-29. Review status: reviewed by expert panel. Criteria: ENIGMA BRCA1/2 Classification Criteria (2017-06-29). Collection method: curation. Allele origin: germline.
Comment: Synonymous substitution variant, with low bioinformatic likelihood to result in a splicing aberration (Splicing prior probability 0.02).

Labcorp Genetics (formerly Invitae), Labcorp
Classification: Likely benign for Hereditary breast ovarian cancer syndrome. Last evaluated: 2023-11-09. Review status: criteria provided, single submitter. Criteria: Invitae Variant Classification Sherloc (09022015). Collection method: clinical testing. Allele origin: germline. Not counted in ClinVar's aggregate classification.

Breast Cancer Information Core (BIC) (BRCA2)
Classification: Uncertain significance for Breast-ovarian cancer, familial 2. Review status: no assertion criteria provided. Collection method: clinical testing. Allele origin: germline. Affected: yes. Observed: 1 variant allele. Not counted in ClinVar's aggregate classification.